The following is an entry in ClinVar:

NM_000642.3(AGL):c.2857G>A (p.Gly953Arg)

Gene: AGL (amylo-alpha-1,6-glucosidase and 4-alpha-glucanotransferase; plus strand). Cytogenetic location: 1p21.2.
Variant type: single nucleotide variant.
Coding change: c.2857G>A on transcript NM_000642.3 (MANE Select); coding-DNA position 2857, G replaced by A.
Protein change: p.Gly953Arg; replaces glycine 953 with arginine.
Molecular consequence: missense variant.
Genome position (GRCh38, 1-based): chr1:99,891,264, G>A. VCF-style: chr1-99891264-G-A. GRCh37 (hg19) VCF-style: chr1-100356820-G-A.
Other names: c.2836G>A, p.Gly946Arg (NM_001425326.1); c.2656G>A, p.Gly886Arg (NM_001425327.1); c.2653G>A, p.Gly885Arg (NM_001425328.1); c.2518G>A, p.Gly840Arg (NM_001425329.1); c.2479G>A, p.Gly827Arg (NM_001425332.1); c.2809G>A, p.Gly937Arg (NM_000646.3); c.2857G>A, p.Gly953Arg (NM_001425325.1, NM_000028.3, NM_000643.3 and 1 more transcripts); short protein forms G937R, G953R, G827R, G840R, G885R, G886R, G946R.
Identifiers: ClinVar variation 1056579 (VCV001056579.11), dbSNP rs1010866326, ClinGen allele CA27526341.

ClinVar aggregate classification (germline): Uncertain significance. Review status: criteria provided, multiple submitters, no conflicts (2 of 4 stars). 3 submissions from 3 submitters: Uncertain significance (3). Last evaluated 2023-05-03.

Conditions:
Inborn genetic diseases. Identifiers: MedGen C0950123, MeSH D030342.
Glycogen storage disease type III (GSD3). Also called: Cori disease; FORBES DISEASE. Identifiers: Orphanet 366, MedGen C0017922, MONDO:0009291, OMIM 232400.

Submissions (3):

Ambry Genetics
Classification: Uncertain significance for Inborn genetic diseases. Last evaluated: 2023-05-03. Review status: criteria provided, single submitter. Criteria: Ambry Variant Classification Scheme 2023. Collection method: clinical testing. Allele origin: germline.

Genome-Nilou Lab
Classification: Uncertain significance for Glycogen storage disease type III. Last evaluated: 2023-04-11. Review status: criteria provided, single submitter. Criteria: ACMG Guidelines, 2015. Collection method: clinical testing. Allele origin: germline. Affected: no.

Labcorp Genetics (formerly Invitae), Labcorp
Classification: Uncertain significance for Glycogen storage disease type III. Last evaluated: 2022-08-05. Review status: criteria provided, single submitter. Criteria: Invitae Variant Classification Sherloc (09022015). Collection method: clinical testing. Allele origin: germline.
Comment: This sequence change replaces glycine, which is neutral and non-polar, with arginine, which is basic and polar, at codon 953 of the AGL protein (p.Gly953Arg). This variant is not present in population databases (gnomAD no frequency). This variant has not been reported in the literature in individuals affected with AGL-related conditions. ClinVar contains an entry for this variant (Variation ID: 1056579). Algorithms developed to predict the effect of missense changes on protein structure and function are either unavailable or do not agree on the potential impact of this missense change (SIFT: "Deleterious"; PolyPhen-2: "Probably Damaging"; Align-GVGD: "Class C0"). In summary, the available evidence is currently insufficient to determine the role of this variant in disease. Therefore, it has been classified as a Variant of Uncertain Significance.